The following is an entry in ClinVar:

NM_001376.5(DYNC1H1):c.12293A>G (p.Asn4098Ser)

Gene: DYNC1H1 (dynein cytoplasmic 1 heavy chain 1; plus strand). Cytogenetic location: 14q32.31.
Variant type: single nucleotide variant.
Coding change: c.12293A>G on transcript NM_001376.5 (MANE Select); coding-DNA position 12293, A replaced by G.
Protein change: p.Asn4098Ser; replaces asparagine 4098 with serine.
Molecular consequence: missense variant.
Genome position (GRCh38, 1-based): chr14:102,042,401, A>G. VCF-style: chr14-102042401-A-G. GRCh37 (hg19) VCF-style: chr14-102508738-A-G.
Other names: short protein forms N4098S.
Identifiers: ClinVar variation 1354258 (VCV001354258.8), dbSNP rs2152596637, ClinGen allele CA391040676.

ClinVar aggregate classification (germline): Uncertain significance (1 of 4 stars; one submission).

Conditions:
Charcot-Marie-Tooth disease axonal type 2O. Also called: Charcot-Marie-Tooth Neuropathy Type 2O; Charcot-Marie-Tooth disease, axonal, type 20; CHARCOT-MARIE-TOOTH NEUROPATHY, AXONAL, TYPE 2O; CHARCOT-MARIE-TOOTH DISEASE, AXONAL, AUTOSOMAL DOMINANT, TYPE 2O. Identifiers: Orphanet 284232, MedGen C3280220, MONDO:0013644, OMIM 614228.

Submission:

Labcorp Genetics (formerly Invitae), Labcorp
Classification: Uncertain significance for Charcot-Marie-Tooth disease axonal type 2O. Last evaluated: 2020-12-05. Review status: criteria provided, single submitter. Criteria: Invitae Variant Classification Sherloc (09022015). Collection method: clinical testing. Allele origin: germline.
Comment: In summary, the available evidence is currently insufficient to determine the role of this variant in disease. Therefore, it has been classified as a Variant of Uncertain Significance. Advanced modeling of protein sequence and biophysical properties (such as structural, functional, and spatial information, amino acid conservation, physicochemical variation, residue mobility, and thermodynamic stability) performed at Invitae indicates that this missense variant is not expected to disrupt DYNC1H1 protein function. This variant has not been reported in the literature in individuals with DYNC1H1-related conditions. This variant is not present in population databases (ExAC no frequency). This sequence change replaces asparagine with serine at codon 4098 of the DYNC1H1 protein (p.Asn4098Ser). The asparagine residue is highly conserved and there is a small physicochemical difference between asparagine and serine.